The following is an entry in ClinVar:

NM_002907.4(RECQL):c.1453G>C (p.Glu485Gln)

Gene: RECQL (RecQ like helicase; minus strand). Cytogenetic location: 12p12.1.
Variant type: single nucleotide variant.
Coding change: c.1453G>C on transcript NM_002907.4 (MANE Select); coding-DNA position 1453, G replaced by C.
Protein change: p.Glu485Gln; replaces glutamic acid 485 with glutamine.
Molecular consequence: missense variant.
Genome position (GRCh38, 1-based): chr12:21,471,642, C>G on the plus strand (G>C on the coding strand, the complement: RECQL is on the minus strand). VCF-style: chr12-21471642-C-G. GRCh37 (hg19) VCF-style: chr12-21624576-C-G.
Other names: c.1453G>C, p.Glu485Gln (NM_032941.3); short protein forms E485Q.
Identifiers: ClinVar variation 2450952 (VCV002450952.2), dbSNP rs2540322923, ClinGen allele CA384116392.
Genomic context (GRCh38, chr12:21,471,642, plus strand): 5'-CCTCTGCCTGCTTCAGGATCTTGATTAGATCTCTGCAGTACTCTGTTATGTTCTTTCTTT[C>G]AAATGCTGTAATAAAACAAATATGGTAGCAGGTAATTAGGATTTAGAAATGAGGGCAAAG-3'
Protein context (NP_002898.2, residues 475-495): CDNCCKDSAF[Glu485Gln]RKNITEYCRD

ClinVar aggregate classification (germline): Uncertain significance (1 of 4 stars; one submission).

Submission:

Ambry Genetics
Classification: Uncertain significance. Last evaluated: 2022-11-10. Review status: criteria provided, single submitter. Criteria: Ambry Variant Classification Scheme 2023. Collection method: clinical testing. Allele origin: germline.
Comment: The p.E485Q variant (also known as c.1453G>C), located in coding exon 12 of the RECQL gene, results from a G to C substitution at nucleotide position 1453. The glutamic acid at codon 485 is replaced by glutamine, an amino acid with highly similar properties. This amino acid position is conserved. In addition, this alteration is predicted to be tolerated by in silico analysis. Since supporting evidence is limited at this time, the clinical significance of this alteration remains unclear.